The following is an entry in ClinVar:

NM_000213.5(ITGB4):c.1399C>T (p.Arg467Cys)

Gene: ITGB4 (integrin subunit beta 4; plus strand). Cytogenetic location: 17q25.1.
Variant type: single nucleotide variant.
Coding change: c.1399C>T on transcript NM_000213.5 (MANE Select); coding-DNA position 1399, C replaced by T.
Protein change: p.Arg467Cys; replaces arginine 467 with cysteine.
Molecular consequence: missense variant.
Genome position (GRCh38, 1-based): chr17:75,732,184, C>T. VCF-style: chr17-75732184-C-T. GRCh37 (hg19) VCF-style: chr17-73728265-C-T.
Other names: c.1399C>T (NM_000213.4); c.1399C>T, p.Arg467Cys (NM_001005619.2, NM_001005731.3, NM_001321123.2); short protein forms R467C.
Identifiers: ClinVar variation 2182451 (VCV002182451.7), dbSNP rs747240654, ClinGen allele CA8769009.
Genomic context (GRCh38, chr17:75,732,184, plus strand): 5'-CTCCCCCGACGCACCCCACCATGGTCTCTCTCATTCCAGCAAAAAGAGGTGCGGTCAGCT[C>T]GCTGCAGCTTCAACGGAGACTTCGTGTGCGGACAGTGTGTGTGCAGCGAGGGCTGGTGAG-3'
Protein context (NP_000204.3, residues 457-477): CELQKEVRSA[Arg467Cys]CSFNGDFVCG

ClinVar aggregate classification (germline): Uncertain significance. Review status: criteria provided, multiple submitters, no conflicts (2 of 4 stars). 3 submissions from 3 submitters: Uncertain significance (3). Last evaluated 2024-11-14.

Conditions:
ITGB4-related disorder. Also called: ITGB4-related condition.
Inborn genetic diseases. Identifiers: MedGen C0950123, MeSH D030342.

Allele frequency attached by ClinVar (database versions not stated): ExAC 0.00003; gnomAD exomes 0.00003; TOPMed 0.00004; gnomAD 0.00005.
gnomAD v4.1: 46 of 1,614,134 alleles (0.0028%); highest among the groups gnomAD compares: East Asian, 0.036%; no homozygotes.

Submissions (3):

Ambry Genetics
Classification: Uncertain significance for Inborn genetic diseases. Last evaluated: 2024-11-14. Review status: criteria provided, single submitter. Criteria: Ambry Variant Classification Scheme 2023. Collection method: clinical testing. Allele origin: germline.

Labcorp Genetics (formerly Invitae), Labcorp
Classification: Uncertain significance. Last evaluated: 2023-12-07. Review status: criteria provided, single submitter. Criteria: Invitae Variant Classification Sherloc (09022015). Collection method: clinical testing. Allele origin: germline.
Comment: This sequence change replaces arginine, which is basic and polar, with cysteine, which is neutral and slightly polar, at codon 467 of the ITGB4 protein (p.Arg467Cys). The frequency data for this variant in the population databases is considered unreliable, as metrics indicate poor data quality at this position in the gnomAD database. This variant has not been reported in the literature in individuals affected with ITGB4-related conditions. ClinVar contains an entry for this variant (Variation ID: 2182451). Advanced modeling of protein sequence and biophysical properties (such as structural, functional, and spatial information, amino acid conservation, physicochemical variation, residue mobility, and thermodynamic stability) performed at Invitae indicates that this missense variant is not expected to disrupt ITGB4 protein function with a negative predictive value of 80%. In summary, the available evidence is currently insufficient to determine the role of this variant in disease. Therefore, it has been classified as a Variant of Uncertain Significance.

PreventionGenetics, part of Exact Sciences
Classification: Uncertain significance for ITGB4-related condition. Last evaluated: 2022-12-21. Review status: criteria provided, single submitter. Criteria: ACMG Guidelines, 2015. Collection method: clinical testing. Allele origin: germline.
Comment: The ITGB4 c.1399C>T variant is predicted to result in the amino acid substitution p.Arg467Cys. To our knowledge, this variant has not been reported in the literature. This variant is reported in 0.068% of alleles in individuals of Ashkenazi Jewish descent in gnomAD. At this time, the clinical significance of this variant is uncertain due to the absence of conclusive functional and genetic evidence.